The following is an entry in ClinVar:

ClinVar aggregate classification (germline): Benign/Likely benign. Review status: criteria provided, multiple submitters, no conflicts (2 of 4 stars). 2 submissions from 2 submitters: Benign (1); Likely benign (1). Last evaluated 2024-07-26.

Conditions:
Familial cancer of breast. Also called: Hereditary breast cancer; hereditary breast carcinoma; BREAST CANCER, FAMILIAL. Identifiers: Orphanet 227535, MedGen C0346153, MONDO:0016419, OMIM 114480. Disease mechanism: loss of function.

Submissions (2):

Myriad Genetics, Inc.
Classification: Benign for Familial cancer of breast. Last evaluated: 2024-07-26. Review status: criteria provided, single submitter. Criteria: Myriad Autosomal Dominant, Autosomal Recessive and X-Linked Classification Criteria (2023). Collection method: clinical testing. Allele origin: unknown.
Comment: This variant is considered benign. This variant is a silent/synonymous amino acid change and it is not expected to impact splicing.

Labcorp Genetics (formerly Invitae), Labcorp
Classification: Likely benign for Familial cancer of breast. Last evaluated: 2021-10-18. Review status: criteria provided, single submitter. Criteria: Invitae Variant Classification Sherloc (09022015). Collection method: clinical testing. Allele origin: germline.

NM_000465.4(BARD1):c.1638A>G (p.Pro546=)

Gene: BARD1 (BRCA1 associated RING domain 1; minus strand). Cytogenetic location: 2q35.
Variant type: single nucleotide variant.
Coding change: c.1638A>G on transcript NM_000465.4 (MANE Select); coding-DNA position 1638, A replaced by G.
Protein change: p.Pro546=; no amino-acid change (proline 546 retained).
Molecular consequence: synonymous variant. On other transcripts: non-coding transcript variant (3), intron variant (1).
Genome position (GRCh38, 1-based): chr2:214,752,486, T>C on the plus strand (A>G on the coding strand, the complement: BARD1 is on the minus strand). VCF-style: chr2-214752486-T-C. GRCh37 (hg19) VCF-style: chr2-215617210-T-C.
Other names: c.1581A>G, p.Pro527= (NM_001282543.2); c.285A>G, p.Pro95= (NM_001282545.2); c.228A>G, p.Pro76= (NM_001282548.2); c.365-21978A>G (NM_001282549.2).
Identifiers: ClinVar variation 1638386 (VCV001638386.10), dbSNP rs2106038802, ClinGen allele CA431147762.